The following is an entry in ClinVar:

NM_003482.4(KMT2D):c.4882G>T (p.Gly1628Cys)

Gene: KMT2D (lysine methyltransferase 2D; minus strand). Cytogenetic location: 12q13.12.
Variant type: single nucleotide variant.
Coding change: c.4882G>T on transcript NM_003482.4 (MANE Select); coding-DNA position 4882, G replaced by T.
Protein change: p.Gly1628Cys; replaces glycine 1628 with cysteine.
Molecular consequence: missense variant.
Genome position (GRCh38, 1-based): chr12:49,044,825, C>A on the plus strand (G>T on the coding strand, the complement: KMT2D is on the minus strand). VCF-style: chr12-49044825-C-A. GRCh37 (hg19) VCF-style: chr12-49438608-C-A.
Other names: c.4882G>T (NM_003482.3); short protein forms G1628C.
Identifiers: ClinVar variation 1484431 (VCV001484431.7), dbSNP rs1490654569, ClinGen allele CA384640224.

ClinVar aggregate classification (germline): Uncertain significance. Review status: criteria provided, multiple submitters, no conflicts (2 of 4 stars). 2 submissions from 2 submitters: Uncertain significance (2). Last evaluated 2025-01-28.

Conditions:
KMT2D-related disorder. Also called: KMT2D-Related Disorders.
Kabuki syndrome. Also called: Kabuki make-up syndrome; NIIKAWA-KUROKI SYNDROME. Identifiers: Orphanet 2322, MedGen C0796004, MONDO:0016512.

Allele frequency attached by ClinVar (database versions not stated): gnomAD exomes below 0.00001; TOPMed 0.00001.
gnomAD v4.1: 1 of 1,614,088 alleles (0.000062%); highest among the groups gnomAD compares: African/African-American, 0.0013%; no homozygotes.

Submissions (2):

PreventionGenetics, part of Exact Sciences
Classification: Uncertain significance for KMT2D-related condition. Last evaluated: 2025-01-28. Review status: criteria provided, single submitter. Criteria: ACMG Guidelines, 2015. Collection method: clinical testing. Allele origin: germline.
Comment: The KMT2D c.4882G>T variant is predicted to result in the amino acid substitution p.Gly1628Cys. To our knowledge, this variant has not been reported in the literature or in a large population database (gnomAD), indicating this variant is rare. At this time, the clinical significance of this variant is uncertain due to the absence of conclusive functional and genetic evidence.

Labcorp Genetics (formerly Invitae), Labcorp
Classification: Uncertain significance for Kabuki syndrome. Last evaluated: 2025-01-13. Review status: criteria provided, single submitter. Criteria: Invitae Variant Classification Sherloc (09022015). Collection method: clinical testing. Allele origin: germline.
Comment: This sequence change replaces glycine, which is neutral and non-polar, with cysteine, which is neutral and slightly polar, at codon 1628 of the KMT2D protein (p.Gly1628Cys). This variant is not present in population databases (gnomAD no frequency). This variant has not been reported in the literature in individuals affected with KMT2D-related conditions. ClinVar contains an entry for this variant (Variation ID: 1484431). Invitae Evidence Modeling of protein sequence and biophysical properties (such as structural, functional, and spatial information, amino acid conservation, physicochemical variation, residue mobility, and thermodynamic stability) indicates that this missense variant is not expected to disrupt KMT2D protein function with a negative predictive value of 95%. In summary, the available evidence is currently insufficient to determine the role of this variant in disease. Therefore, it has been classified as a Variant of Uncertain Significance.